The following is an entry in ClinVar:

NM_201384.3(PLEC):c.11695C>T (p.Arg3899Cys)

Gene: PLEC (plectin; minus strand). Cytogenetic location: 8q24.3.
Variant type: single nucleotide variant.
Coding change: c.11695C>T on transcript NM_201384.3 (MANE Select); coding-DNA position 11695, C replaced by T.
Protein change: p.Arg3899Cys; replaces arginine 3899 with cysteine.
Molecular consequence: missense variant.
Genome position (GRCh38, 1-based): chr8:143,918,126, G>A on the plus strand (C>T on the coding strand, the complement: PLEC is on the minus strand). VCF-style: chr8-143918126-G-A. GRCh37 (hg19) VCF-style: chr8-144992294-G-A.
Other names: c.11776C>T, p.Arg3926Cys (NM_000445.5); c.11653C>T, p.Arg3885Cys (NM_201378.4); c.11629C>T, p.Arg3877Cys (NM_201379.3); c.12106C>T, p.Arg4036Cys (NM_201380.4); c.11599C>T, p.Arg3867Cys (NM_201381.3); c.11695C>T, p.Arg3899Cys (NM_201382.4); c.11707C>T, p.Arg3903Cys (NM_201383.3); short protein forms R3885C, R3903C, R3899C, R3926C, R3867C, R3877C, R4036C.
Identifiers: ClinVar variation 643958 (VCV000643958.8), dbSNP rs782307535, ClinGen allele CA4924269.

ClinVar aggregate classification (germline): Uncertain significance (1 of 4 stars; one submission).

Conditions:
Epidermolysis bullosa simplex, Ogna type (EBS5A). Also called: Pidermolysis bullosa simplex 5A, Ogna type; EPIDERMOLYSIS BULLOSA SIMPLEX 5A, OGNA TYPE. Identifiers: Orphanet 79401, MedGen C0432317, MONDO:0007555, OMIM 131950.
Autosomal recessive limb-girdle muscular dystrophy type 2Q (LGMDR17). Also called: MUSCULAR DYSTROPHY, LIMB-GIRDLE, AUTOSOMAL RECESSIVE 17. Identifiers: Orphanet 254361, MedGen C3150989, MONDO:0013390, OMIM 613723.
Epidermolysis bullosa simplex with nail dystrophy (EBS5D). Identifiers: MedGen C4225309, MONDO:0014661, OMIM 616487.
Epidermolysis bullosa simplex 5B, with muscular dystrophy (EBS5B). Also called: Epidermolysis bullosa simplex with muscular dystrophy; EPIDERMOLYSIS BULLOSA SIMPLEX AND LIMB-GIRDLE MUSCULAR DYSTROPHY. Identifiers: Orphanet 257, MedGen C2931072, MONDO:0009181, OMIM 226670.
Epidermolysis bullosa simplex 5C, with pyloric atresia (EBS5C). Also called: PLEC-Related Epidermolysis Bullosa with Pyloric Atresia; Epidermolysis bullosa simplex with pyloric atresia; PLEC1-Related Epidermolysis Bullosa with Pyloric Atresia. Identifiers: Orphanet 158684, MedGen C2677349, MONDO:0012807, OMIM 612138.

Allele frequency attached by ClinVar (database versions not stated): gnomAD 0.00001; gnomAD exomes 0.00002 and 0.00004; ExAC 0.00007.
gnomAD v4.1: 36 of 1,598,820 alleles (0.0023%); highest among the groups gnomAD compares: Admixed American, 0.0034%; no homozygotes.

Submission:

Labcorp Genetics (formerly Invitae), Labcorp
Classification: Uncertain significance for Autosomal recessive limb-girdle muscular dystrophy type 2Q; Epidermolysis bullosa simplex, Ogna type; Epidermolysis bullosa simplex with nail dystrophy; Epidermolysis bullosa simplex 5C, with pyloric atresia; Epidermolysis bullosa simplex 5B, with muscular dystrophy. Last evaluated: 2024-12-13. Review status: criteria provided, single submitter. Criteria: Invitae Variant Classification Sherloc (09022015). Collection method: clinical testing. Allele origin: germline.
Comment: This sequence change replaces arginine, which is basic and polar, with cysteine, which is neutral and slightly polar, at codon 3926 of the PLEC protein (p.Arg3926Cys). The frequency data for this variant in the population databases is considered unreliable, as metrics indicate poor data quality at this position in the gnomAD database. This variant has not been reported in the literature in individuals affected with PLEC-related conditions. ClinVar contains an entry for this variant (Variation ID: 643958). Invitae Evidence Modeling of protein sequence and biophysical properties (such as structural, functional, and spatial information, amino acid conservation, physicochemical variation, residue mobility, and thermodynamic stability) indicates that this missense variant is not expected to disrupt PLEC protein function with a negative predictive value of 80%. In summary, the available evidence is currently insufficient to determine the role of this variant in disease. Therefore, it has been classified as a Variant of Uncertain Significance.